The following is an entry in ClinVar:

NM_052947.4(ALPK2):c.1618C>G (p.Pro540Ala)

Gene: ALPK2 (alpha kinase 2; minus strand). Cytogenetic location: 18q21.31.
Variant type: single nucleotide variant.
Coding change: c.1618C>G on transcript NM_052947.4 (MANE Select); coding-DNA position 1618, C replaced by G.
Protein change: p.Pro540Ala; replaces proline 540 with alanine.
Molecular consequence: missense variant.
Genome position (GRCh38, 1-based): chr18:58,579,158, G>C on the plus strand (C>G on the coding strand, the complement: ALPK2 is on the minus strand). VCF-style: chr18-58579158-G-C. GRCh37 (hg19) VCF-style: chr18-56246390-G-C.
Other names: short protein forms P540A.
Identifiers: ClinVar variation 1776534 (VCV001776534.2), dbSNP rs2518898768, ClinGen allele CA402561513.
Genomic context (GRCh38, chr18:58,579,158, plus strand): 5'-CTTCTGTTGTACTTTCTCTCAGGTTGGCATTCGGCTTCTTGGGATTTCCCTTCATTCCCG[G>C]CTGCCTCACCCTGGCAGATTTCCTTGAACCCCTCTTGCTCCATAAGTCCTTTCCCCCCAC-3'
Protein context (NP_443179.3, residues 530-550): GSRKSARVRQ[Pro540Ala]GMKGNPKKPN

ClinVar aggregate classification (germline): Uncertain significance (1 of 4 stars; one submission).

Submission:

Ambry Genetics
Classification: Uncertain significance. Last evaluated: 2022-04-30. Review status: criteria provided, single submitter. Criteria: Ambry Variant Classification Scheme 2023. Collection method: clinical testing. Allele origin: germline.
Comment: The p.P540A variant (also known as c.1618C>G), located in coding exon 3 of the ALPK2 gene, results from a C to G substitution at nucleotide position 1618. The proline at codon 540 is replaced by alanine, an amino acid with highly similar properties. This amino acid position is conserved. In addition, this alteration is predicted to be tolerated by in silico analysis. Since supporting evidence is limited at this time, the clinical significance of this alteration remains unclear.